The following is an entry in ClinVar:

ClinVar aggregate classification (germline): Uncertain significance. Review status: criteria provided, multiple submitters, no conflicts (2 of 4 stars). 2 submissions from 2 submitters: Uncertain significance (2). Last evaluated 2026-07-06.

Conditions:
Hereditary cancer-predisposing syndrome. Also called: Hereditary Cancer Syndrome; Tumor predisposition; Neoplastic Syndromes, Hereditary; Hereditary neoplastic syndrome. Identifiers: Orphanet 140162, MedGen C0027672, MeSH D009386, MONDO:0015356.
Familial adenomatous polyposis 1 (FAP1). Also called: POLYPOSIS, ADENOMATOUS INTESTINAL; FAMILIAL ADENOMATOUS POLYPOSIS 1, ATTENUATED. Identifiers: MedGen C2713442, MONDO:0021056, OMIM 175100. Disease mechanism: loss of function.

Submissions (2):

Ambry Genetics
Classification: Uncertain significance for Hereditary cancer-predisposing syndrome. Last evaluated: 2026-07-06. Review status: criteria provided, single submitter. Criteria: Ambry Variant Classification Scheme 2023. Collection method: clinical testing. Allele origin: germline.
Comment: The p.D1948E variant (also known as c.5844T>G), located in coding exon 15 of the APC gene, results from a T to G substitution at nucleotide position 5844. The aspartic acid at codon 1948 is replaced by glutamic acid, an amino acid with highly similar properties. This amino acid position is conserved. In addition, in silico predictors for this gene do not accurately predict pathogenicity. Based on the available evidence, the clinical significance of this variant remains unclear.

Labcorp Genetics (formerly Invitae), Labcorp
Classification: Uncertain significance for Familial adenomatous polyposis 1. Last evaluated: 2022-11-12. Review status: criteria provided, single submitter. Criteria: Invitae Variant Classification Sherloc (09022015). Collection method: clinical testing. Allele origin: germline.
Comment: This variant is not present in population databases (gnomAD no frequency). This sequence change replaces aspartic acid, which is acidic and polar, with glutamic acid, which is acidic and polar, at codon 1948 of the APC protein (p.Asp1948Glu). This variant has not been reported in the literature in individuals affected with APC-related conditions. ClinVar contains an entry for this variant (Variation ID: 1477212). Advanced modeling of protein sequence and biophysical properties (such as structural, functional, and spatial information, amino acid conservation, physicochemical variation, residue mobility, and thermodynamic stability) performed at Invitae indicates that this missense variant is not expected to disrupt APC protein function. In summary, the available evidence is currently insufficient to determine the role of this variant in disease. Therefore, it has been classified as a Variant of Uncertain Significance.

NM_000038.6(APC):c.5844T>G (p.Asp1948Glu)

Gene: APC (APC regulator of Wnt signaling pathway; plus strand). Cytogenetic location: 5q22.2.
Variant type: single nucleotide variant.
Coding change: c.5844T>G on transcript NM_000038.6 (MANE Select); coding-DNA position 5844, T replaced by G.
Protein change: p.Asp1948Glu; replaces aspartic acid 1948 with glutamic acid.
Molecular consequence: missense variant.
Genome position (GRCh38, 1-based): chr5:112,841,438, T>G. VCF-style: chr5-112841438-T-G. GRCh37 (hg19) VCF-style: chr5-112177135-T-G.
Other names: c.5844T>G, p.Asp1948Glu (NM_001127510.3, NM_001354895.2); c.5790T>G, p.Asp1930Glu (NM_001127511.3); c.5898T>G, p.Asp1966Glu (NM_001354896.2); c.5874T>G, p.Asp1958Glu (NM_001354897.2); c.5769T>G, p.Asp1923Glu (NM_001354898.2); c.5760T>G, p.Asp1920Glu (NM_001354899.2); c.5721T>G, p.Asp1907Glu (NM_001354900.2); c.5667T>G, p.Asp1889Glu (NM_001354901.2); and 6 more; short protein forms D1857E, D1948E, D1958E, D1889E, D1907E, D1966E, D1665E, D1788E.
Identifiers: ClinVar variation 1477212 (VCV001477212.7), dbSNP rs1766064051, ClinGen allele CA16034113.
Genomic context (GRCh38, chr5:112,841,438, plus strand): 5'-GAAACAATCCACTTTTCCCCAGTCATCCAAAGACATACCAGACAGAGGGGCAGCAACTGA[T>G]GAAAAGTTACAGAATTTTGCTATTGAAAATACTCCGGTTTGCTTTTCTCATAATTCCTCT-3'
Protein context (NP_000029.2, residues 1938-1958): KDIPDRGAAT[Asp1948Glu]EKLQNFAIEN